The following is an entry in ClinVar:

ClinVar aggregate classification (germline): Uncertain significance (1 of 4 stars; one submission).

Conditions:
Walker-Warburg congenital muscular dystrophy. Also called: Muscular dystrophy-dystroglycanopathy, type A; Walker-Warburg syndrome. Identifiers: Orphanet 899, MedGen C0265221, MONDO:0000171.

gnomAD v4.1: 1 of 1,607,762 alleles (0.000062%); highest among the groups gnomAD compares: East Asian, 0.0022%; no homozygotes.

Submission:

Labcorp Genetics (formerly Invitae), Labcorp
Classification: Uncertain significance for Walker-Warburg congenital muscular dystrophy. Last evaluated: 2021-12-18. Review status: criteria provided, single submitter. Criteria: Invitae Variant Classification Sherloc (09022015). Collection method: clinical testing. Allele origin: germline.
Comment: In summary, the available evidence is currently insufficient to determine the role of this variant in disease. Therefore, it has been classified as a Variant of Uncertain Significance. Algorithms developed to predict the effect of missense changes on protein structure and function (SIFT, PolyPhen-2, Align-GVGD) all suggest that this variant is likely to be tolerated. This variant has not been reported in the literature in individuals affected with FKTN-related conditions. This variant is not present in population databases (gnomAD no frequency). This sequence change replaces tyrosine, which is neutral and polar, with cysteine, which is neutral and slightly polar, at codon 117 of the FKTN protein (p.Tyr117Cys).

NM_001079802.2(FKTN):c.350A>G (p.Tyr117Cys)

Gene: FKTN (fukutin; plus strand). Cytogenetic location: 9q31.2.
Variant type: single nucleotide variant.
Coding change: c.350A>G on transcript NM_001079802.2 (MANE Select); coding-DNA position 350, A replaced by G.
Protein change: p.Tyr117Cys; replaces tyrosine 117 with cysteine.
Molecular consequence: missense variant. On other transcripts: 5 prime UTR variant (4), non-coding transcript variant (2).
Genome position (GRCh38, 1-based): chr9:105,601,329, A>G. VCF-style: chr9-105601329-A-G. GRCh37 (hg19) VCF-style: chr9-108363610-A-G.
Other names: c.350A>G, p.Tyr117Cys (NM_001198963.2, NM_001351496.2, NM_001351498.2 and 1 more transcripts); c.281A>G, p.Tyr94Cys (NM_001351497.2); c.-165A>G (NM_001351499.2, NM_001351500.2, NM_001351501.2 and 1 more transcripts); short protein forms Y94C, Y117C.
Identifiers: ClinVar variation 1910004 (VCV001910004.5), dbSNP rs775672119, ClinGen allele CA374331797.
Genomic context (GRCh38, chr9:105,601,329, plus strand): 5'-CTACTTCACAATGCAAGTTTTTCTGTGTTCCAAGAGACTTTACTGCATTTGCACTGCAGT[A>G]TCACCTATGGAAGAATGAGGTAAGTGACTTGCTTTCAGATAATGGAATGTGTCTCTTTTT-3'
Protein context (NP_001073270.1, residues 107-127): PRDFTAFALQ[Tyr117Cys]HLWKNEEGWF